The following is an entry in ClinVar:

NM_001166108.2(PALLD):c.*86G>C

Genes: CBR4 (carbonyl reductase 4; minus strand), PALLD (palladin, cytoskeletal associated protein; plus strand). Cytogenetic location: 4q32.3.
Variant type: single nucleotide variant.
Coding change: c.*86G>C on transcript NM_001166108.2 (MANE Select); 86 bases downstream of the stop codon, G replaced by C.
Molecular consequence: 3 prime UTR variant. On other transcripts: missense variant (4).
Genome position (GRCh38, 1-based): chr4:168,926,266, G>C. VCF-style: chr4-168926266-G-C. GRCh37 (hg19) VCF-style: chr4-169847417-G-C.
Other names: c.2215G>C, p.Ala739Pro (NM_001166109.2); c.1900G>C, p.Ala634Pro (NM_001166110.2); c.*86G>C (NM_001367567.1, NM_001367570.1, NM_016081.4); c.1291G>C, p.Ala431Pro (NM_001367568.1); c.1240G>C, p.Ala414Pro (NM_001367569.1); short protein forms A634P, A739P, A414P, A431P.
Identifiers: ClinVar variation 4732850 (VCV004732850.1).

ClinVar aggregate classification (germline): Uncertain significance (1 of 4 stars; one submission).

Conditions:
Pancreatic adenocarcinoma. Identifiers: MedGen C0281361, MONDO:0006047, HP:0006725.

Submission:

Labcorp Genetics (formerly Invitae), Labcorp
Classification: Uncertain significance for Pancreatic adenocarcinoma. Last evaluated: 2025-12-09. Review status: criteria provided, single submitter. Criteria: Invitae Variant Classification Sherloc (09022015). Collection method: clinical testing. Allele origin: germline.
Comment: This sequence change replaces alanine, which is neutral and non-polar, with proline, which is neutral and non-polar, at codon 634 of the PALLD protein (p.Ala634Pro). This variant is not present in population databases (gnomAD no frequency). This variant has not been reported in the literature in individuals affected with PALLD-related conditions. An algorithm developed to predict the effect of missense changes on protein structure and function (PolyPhen-2) suggests that this variant is likely to be tolerated. In summary, the available evidence is currently insufficient to determine the role of this variant in disease. Therefore, it has been classified as a Variant of Uncertain Significance.